The following is an entry in ClinVar:

NM_000368.5(TSC1):c.182del (p.Leu61fs)

Gene: TSC1 (TSC complex subunit 1; minus strand). Cytogenetic location: 9q34.13.
Variant type: Deletion.
Coding change: c.182del on transcript NM_000368.5 (MANE Select); coding-DNA position 182, one base deleted (T; older notation c.182delT).
Protein change: p.Leu61fs; shifts the reading frame from leucine 61.
Molecular consequence: frameshift variant. On other transcripts: 5 prime UTR variant (9), non-coding transcript variant (4), intron variant (9).
Genome position (GRCh38, 1-based): chr9:132,927,229, A deleted on the plus strand (T on the coding strand, the reverse complement: TSC1 is on the minus strand). VCF-style (leftmost placement, unchanged base first): chr9-132927228-CA-C. GRCh37 (hg19) VCF-style: chr9-135802615-CA-C.
Other names: c.182del, p.Leu61fs (NM_001162426.2, NM_001162427.2, NM_001406592.1 and 21 more transcripts); c.-307del (NM_001406615.1, NM_001406623.1); c.-274del (NM_001406616.1, NM_001406624.1); c.-696del (NM_001406626.1, NM_001406627.1, NM_001406628.1); c.-838del (NM_001406629.1); c.-912del (NM_001406630.1); c.-153-1490del (NM_001406620.1, NM_001406618.1, NM_001406625.1 and 5 more transcripts); c.-245-1490del (NM_001406614.1); short protein forms L61fs.
Identifiers: ClinVar variation 3062105 (VCV003062105.1), dbSNP rs2539110399, ClinGen allele CA2740092912.

ClinVar aggregate classification (germline): Pathogenic (1 of 4 stars; one submission).

Conditions:
Tuberous sclerosis 1 (TSC1). Identifiers: Orphanet 805, MedGen C1854465, MONDO:0008612, OMIM 191100.

Submission:

Illumina Laboratory Services, Illumina
Classification: Pathogenic for Tuberous sclerosis 1. Last evaluated: 2019-09-26. Review status: criteria provided, single submitter. Criteria: ICSLVariantClassificationCriteria RUGD 01 April 2020. Collection method: clinical testing. Allele origin: unknown.
Comment: The TSC1 c.182delT p.(Leu61ArgfsTer37) variant results in a frameshift causes a shift in the protein reading frame that is predicted to result in premature termination of the protein. Loss of normal protein function through either protein truncation or nonsense-mediated mRNA decay is expected. To our knowledge, this variant has not been reported in the peer-reviewed literature. This variant is not observed in version 2.1.1 or version 4.0.0 of the Genome Aggregation Database. Based on the available evidence, the c.182delT p.(Leu61ArgfsTer37) variant is classified as pathogenic for tuberous sclerosis complex.